The following is an entry in ClinVar:

ClinVar aggregate classification (germline): Uncertain significance (1 of 4 stars; one submission).

Conditions:
Hereditary cancer-predisposing syndrome. Also called: Neoplastic Syndromes, Hereditary; Tumor predisposition; Hereditary neoplastic syndrome; Hereditary Cancer Syndrome. Identifiers: Orphanet 140162, MedGen C0027672, MeSH D009386, MONDO:0015356.
Cardiovascular phenotype. Identifiers: MedGen CN230736.

Submission:

Ambry Genetics
Classification: Uncertain significance for Cardiovascular phenotype; Hereditary cancer-predisposing syndrome. Last evaluated: 2023-11-21. Review status: criteria provided, single submitter. Criteria: Ambry Variant Classification Scheme 2023. Collection method: clinical testing. Allele origin: germline.
Comment: The p.S2750R variant (also known as c.8250T>A), located in coding exon 56 of the NF1 gene, results from a T to A substitution at nucleotide position 8250. The serine at codon 2750 is replaced by arginine, an amino acid with dissimilar properties. This amino acid position is conserved. In addition, the in silico prediction for this alteration is inconclusive. Since supporting evidence is limited at this time, the clinical significance of this alteration remains unclear.

NM_001042492.3(NF1):c.8313T>A (p.Ser2771Arg)

Gene: NF1 (neurofibromin 1; plus strand). Cytogenetic location: 17q11.2.
Variant type: single nucleotide variant.
Coding change: c.8313T>A on transcript NM_001042492.3 (MANE Select); coding-DNA position 8313, T replaced by A.
Protein change: p.Ser2771Arg; replaces serine 2771 with arginine.
Molecular consequence: missense variant.
Genome position (GRCh38, 1-based): chr17:31,360,639, T>A. VCF-style: chr17-31360639-T-A. GRCh37 (hg19) VCF-style: chr17-29687657-T-A.
Other names: c.8250T>A, p.Ser2750Arg (NM_000267.4); short protein forms S2750R, S2771R.
Identifiers: ClinVar variation 3237981 (VCV003237981.1), dbSNP rs2151588113.
Genomic context (GRCh38, chr17:31,360,639, plus strand): 5'-TGAAGAATCCCTCCTGACTCCCACATCTCCTTACCCTCCTGCACTGCAGAGCCAGCTTAG[T>A]ATCACTGCCAACCTTAACCTTTCTAATTCCATGACCTCACTTGCAACTTCCCAGCATTCC-3'
Protein context (NP_001035957.1, residues 2761-2781): PYPPALQSQL[Ser2771Arg]ITANLNLSNS